The following is an entry in ClinVar:

ClinVar aggregate classification (germline): Conflicting classifications of pathogenicity. Review status: criteria provided, conflicting classifications (1 of 4 stars). 2 submissions from 2 submitters: Uncertain significance (1); Likely benign (1). Last evaluated 2024-09-10.

Allele frequency attached by ClinVar (database versions not stated): TOPMed 0.00027; ESP Exome Variant Server 0.00046.
gnomAD v4.1: 427 of 1,609,638 alleles (0.027%); highest among the groups gnomAD compares: Non-Finnish European, 0.035%; no homozygotes.

Submissions (2):

Blueprint Genetics
Classification: Likely benign. Last evaluated: 2024-09-10. Review status: criteria provided, single submitter. Criteria: ACMG Guidelines, 2015. Collection method: clinical testing. Allele origin: germline.

Labcorp Genetics (formerly Invitae), Labcorp
Classification: Uncertain significance. Last evaluated: 2022-07-14. Review status: criteria provided, single submitter. Criteria: Invitae Variant Classification Sherloc (09022015). Collection method: clinical testing. Allele origin: germline.
Comment: This sequence change falls in intron 5 of the DNAJB13 gene. It does not directly change the encoded amino acid sequence of the DNAJB13 protein. It affects a nucleotide within the consensus splice site. This variant is present in population databases (rs376701383, gnomAD 0.04%). This variant has not been reported in the literature in individuals affected with DNAJB13-related conditions. Variants that disrupt the consensus splice site are a relatively common cause of aberrant splicing (PMID: 17576681, 9536098). Algorithms developed to predict the effect of sequence changes on RNA splicing suggest that this variant may create or strengthen a splice site. In summary, the available evidence is currently insufficient to determine the role of this variant in disease. Therefore, it has been classified as a Variant of Uncertain Significance.

Literature cited by the submitters: PubMed 17576681 (cited by Labcorp Genetics (formerly Invitae), Labcorp); PubMed 9536098 (cited by Labcorp Genetics (formerly Invitae), Labcorp).

NM_153614.4(DNAJB13):c.606+6G>C

Gene: DNAJB13 (DnaJ heat shock protein family (Hsp40) member B13; plus strand). Cytogenetic location: 11q13.4.
Variant type: single nucleotide variant.
Coding change: c.606+6G>C on transcript NM_153614.4 (MANE Select); 6 bases into the intron after coding-DNA position 606, G replaced by C.
Molecular consequence: intron variant.
Genome position (GRCh38, 1-based): chr11:73,966,257, G>C. VCF-style: chr11-73966257-G-C. GRCh37 (hg19) VCF-style: chr11-73677302-G-C.
Other names: c.432+6G>C (NM_001377263.1).
Identifiers: ClinVar variation 2054813 (VCV002054813.2), dbSNP rs376701383, ClinGen allele CA6180805.